The following is an entry in ClinVar:

ClinVar aggregate classification (germline): Uncertain significance (1 of 4 stars; one submission).

Submission:

GeneDx
Classification: Uncertain significance. Last evaluated: 2025-06-06. Review status: criteria provided, single submitter. Criteria: GeneDx Variant Classification Process June 2021. Collection method: clinical testing. Allele origin: germline. Affected: yes.
Comment: Not observed at significant frequency in large population cohorts (gnomAD); In silico analysis suggests that this variant does not alter protein structure/function; Has not been previously published as pathogenic or benign to our knowledge

NM_006521.6(TFE3):c.1321_1323delinsATG (p.Val441Met)

Gene: TFE3 (transcription factor binding to IGHM enhancer 3; minus strand). Cytogenetic location: Xp11.23.
Variant type: Indel.
Coding change: c.1321_1323delinsATG on transcript NM_006521.6 (MANE Select); coding-DNA positions 1321 to 1323, GTA replaced by ATG.
Protein change: p.Val441Met; replaces valine 441 with methionine.
Molecular consequence: missense variant.
Genome position (GRCh38, 1-based): chrX:49,030,563-49,030,565, TAC replaced by CAT on the plus strand (GTA replaced by ATG on the coding strand, the reverse complement: TFE3 is on the minus strand). VCF-style: chrX-49030563-TAC-CAT. GRCh37 (hg19) VCF-style: chrX-48888074-TAC-CAT.
Other names: c.1006_1008delinsATG, p.Val336Met (NM_001282142.2); short protein forms V336M, V441M.
Identifiers: ClinVar variation 4537538 (VCV004537538.1).